The following is an entry in ClinVar:

NM_003119.4(SPG7):c.1675A>T (p.Lys559Ter)

Gene: SPG7 (SPG7 matrix AAA peptidase subunit, paraplegin; plus strand). Cytogenetic location: 16q24.3.
Variant type: single nucleotide variant.
Coding change: c.1675A>T on transcript NM_003119.4 (MANE Select); coding-DNA position 1675, A replaced by T.
Protein change: p.Lys559Ter; replaces lysine 559 with a stop codon.
Molecular consequence: nonsense.
Genome position (GRCh38, 1-based): chr16:89,550,505, A>T. VCF-style: chr16-89550505-A-T. GRCh37 (hg19) VCF-style: chr16-89616913-A-T.
Other names: p.K559*:AAG>TAG; c.1675A>T, p.Lys559Ter (NM_001363850.1); short protein forms K559*.
Identifiers: ClinVar variation 215215 (VCV000215215.51), dbSNP rs372981030, ClinGen allele CA322772.

ClinVar aggregate classification (germline): Pathogenic/Likely pathogenic. Review status: criteria provided, multiple submitters, no conflicts (2 of 4 stars). 5 submissions from 5 submitters: Pathogenic (3); Likely pathogenic (2). Last evaluated 2022-10-02.

Conditions:
SPG7-related disorder. Also called: SPG7-related condition.
Hereditary spastic paraplegia. Also called: Familial spastic paraparesis. Identifiers: Orphanet 685, MedGen C0037773, MONDO:0019064. Disease mechanism: loss of function.
Hereditary spastic paraplegia 7 (SPG7). Also called: Spastic paraplegia 7; Hereditary spastic paraplegia Paraplegin type; Autosomal recessive spastic paraplegia type 7; SPASTIC PARAPLEGIA 7, AUTOSOMAL RECESSIVE, WITH OR WITHOUT CEREBELLAR ATAXIA; SPG7-related neurologic disorder. Identifiers: Orphanet 99013, MedGen C1846564, MONDO:0011803, OMIM 607259.

Allele frequency attached by ClinVar (database versions not stated): gnomAD 0.00001; TOPMed 0.00001; gnomAD exomes 0.00002 and 0.00003; ExAC 0.00002; ESP Exome Variant Server 0.00008.
gnomAD v4.1: 39 of 1,613,422 alleles (0.0024%); highest among the groups gnomAD compares: Non-Finnish European, 0.0033%; no homozygotes.

Submissions (5):

Labcorp Genetics (formerly Invitae), Labcorp
Classification: Pathogenic for Hereditary spastic paraplegia 7. Last evaluated: 2022-10-02. Review status: criteria provided, single submitter. Criteria: Invitae Variant Classification Sherloc (09022015). Collection method: clinical testing. Allele origin: germline.
Comment: This sequence change creates a premature translational stop signal (p.Lys559*) in the SPG7 gene. It is expected to result in an absent or disrupted protein product. Loss-of-function variants in SPG7 are known to be pathogenic (PMID: 21623769, 22964162). This variant is present in population databases (rs372981030, gnomAD 0.004%). This premature translational stop signal has been observed in individual(s) with clinical features of SPG7-related conditions (Invitae). ClinVar contains an entry for this variant (Variation ID: 215215). For these reasons, this variant has been classified as Pathogenic.

GeneDx
Classification: Likely pathogenic. Last evaluated: 2021-01-28. Review status: criteria provided, single submitter. Criteria: GeneDx Variant Classification Process June 2021. Collection method: clinical testing. Allele origin: germline. Affected: yes.
Comment: Nonsense variant predicted to result in protein truncation or nonsense mediated decay in a gene for which loss-of-function is a known mechanism of disease; Not observed at a significant frequency in large population cohorts (Lek et al., 2016); Has not been previously published as pathogenic or benign to our knowledge

Blueprint Genetics
Classification: Likely pathogenic for SPG7-related disorders. Last evaluated: 2020-12-09. Review status: criteria provided, single submitter. Criteria: ACMG Guidelines, 2015. Collection method: clinical testing. Allele origin: germline. Affected: yes. Observed: 2 variant alleles.

CeGaT Center for Human Genetics Tuebingen
Classification: Pathogenic. Last evaluated: 2019-02-01. Review status: criteria provided, single submitter. Criteria: CeGaT Center For Human Genetics Tuebingen Variant Classification Criteria Version 2. Collection method: clinical testing. Allele origin: germline. Affected: yes. Observed: 1 variant allele.

Genome Diagnostics Laboratory, The Hospital for Sick Children
Classification: Pathogenic for Hereditary spastic paraplegia. Last evaluated: 2017-05-12. Review status: criteria provided, single submitter. Criteria: ACMG Guidelines, 2015. Collection method: clinical testing. Allele origin: germline. Affected: yes.

Literature cited by the submitters: PubMed 21623769 (cited by Labcorp Genetics (formerly Invitae), Labcorp); PubMed 22964162 (cited by Labcorp Genetics (formerly Invitae), Labcorp).